The following is an entry in ClinVar:

ClinVar aggregate classification (germline): Uncertain significance (1 of 4 stars; one submission).

Allele frequency attached by ClinVar (database versions not stated): TOPMed below 0.00001; gnomAD 0.00001.
gnomAD v4.1: 1 of 1,614,016 alleles (0.000062%); highest among the groups gnomAD compares: Non-Finnish European, 0.000085%; no homozygotes.

Submission:

Ambry Genetics
Classification: Uncertain significance. Last evaluated: 2024-10-12. Review status: criteria provided, single submitter. Criteria: Ambry Variant Classification Scheme 2023. Collection method: clinical testing. Allele origin: germline.
Comment: The p.A1117E variant (also known as c.3350C>A), located in coding exon 4 of the ALPK2 gene, results from a C to A substitution at nucleotide position 3350. The alanine at codon 1117 is replaced by glutamic acid, an amino acid with dissimilar properties. This amino acid position is conserved. In addition, this alteration is predicted to be tolerated by in silico analysis. Since supporting evidence is limited at this time, the clinical significance of this alteration remains unclear.

NM_052947.4(ALPK2):c.3350C>A (p.Ala1117Glu)

Gene: ALPK2 (alpha kinase 2; minus strand). Cytogenetic location: 18q21.31.
Variant type: single nucleotide variant.
Coding change: c.3350C>A on transcript NM_052947.4 (MANE Select); coding-DNA position 3350, C replaced by A.
Protein change: p.Ala1117Glu; replaces alanine 1117 with glutamic acid.
Molecular consequence: missense variant.
Genome position (GRCh38, 1-based): chr18:58,536,837, G>T on the plus strand (C>A on the coding strand, the complement: ALPK2 is on the minus strand). VCF-style: chr18-58536837-G-T. GRCh37 (hg19) VCF-style: chr18-56204069-G-T.
Other names: short protein forms A1117E.
Identifiers: ClinVar variation 1730512 (VCV001730512.3), dbSNP rs1297115401, ClinGen allele CA402568568.